The following is an entry in ClinVar:

NM_001330691.3(CEP78):c.40G>T (p.Asp14Tyr)

Gene: CEP78 (centrosomal protein 78; plus strand). Cytogenetic location: 9q21.2.
Variant type: single nucleotide variant.
Coding change: c.40G>T on transcript NM_001330691.3 (MANE Select); coding-DNA position 40, G replaced by T.
Protein change: p.Asp14Tyr; replaces aspartic acid 14 with tyrosine.
Molecular consequence: missense variant.
Genome position (GRCh38, 1-based): chr9:78,236,390, G>T. VCF-style: chr9-78236390-G-T. GRCh37 (hg19) VCF-style: chr9-80851306-G-T.
Other names: c.40G>T, p.Asp14Tyr (NM_001098802.3, NM_001330693.3, NM_001330694.2 and 4 more transcripts); short protein forms D14Y.
Identifiers: ClinVar variation 1390126 (VCV001390126.8), dbSNP rs1023786396, ClinGen allele CA373999138.
Genomic context (GRCh38, chr9:78,236,390, plus strand): 5'-CCCCGAGGCCGCCCTCGGGCCATGATCGACTCCGTGAAGCTGCGCCGCGACAGCGCGGCG[G>T]ACTTCTTCTCCCACTACGAGTACCTGTGCGCGCTGCAGAACTCGGTGCCGCTGCCCGCCG-3'
Protein context (NP_001317620.1, residues 4-24): SVKLRRDSAA[Asp14Tyr]FFSHYEYLCA

ClinVar aggregate classification (germline): Uncertain significance (1 of 4 stars; one submission).

Submission:

Labcorp Genetics (formerly Invitae), Labcorp
Classification: Uncertain significance. Last evaluated: 2022-07-19. Review status: criteria provided, single submitter. Criteria: Invitae Variant Classification Sherloc (09022015). Collection method: clinical testing. Allele origin: germline.
Comment: This variant is not present in population databases (gnomAD no frequency). This sequence change replaces aspartic acid, which is acidic and polar, with tyrosine, which is neutral and polar, at codon 14 of the CEP78 protein (p.Asp14Tyr). This variant has not been reported in the literature in individuals affected with CEP78-related conditions. ClinVar contains an entry for this variant (Variation ID: 1390126). Algorithms developed to predict the effect of missense changes on protein structure and function are either unavailable or do not agree on the potential impact of this missense change (SIFT: "Deleterious"; PolyPhen-2: "Probably Damaging"; Align-GVGD: "Class C0"). In summary, the available evidence is currently insufficient to determine the role of this variant in disease. Therefore, it has been classified as a Variant of Uncertain Significance.